The following is an entry in ClinVar:

ClinVar aggregate classification (germline): Uncertain significance (1 of 4 stars; one submission).

Conditions:
Early Myoclonic Encephalopathy. Identifiers: MedGen C0270855.

Allele frequency attached by ClinVar (database versions not stated): gnomAD 0.00001; ExAC 0.00002; gnomAD exomes 0.00001; TOPMed 0.00002.
gnomAD v4.1: 12 of 1,613,628 alleles (0.00074%); highest among the groups gnomAD compares: Admixed American, 0.0033%; no homozygotes.

Submission:

Labcorp Genetics (formerly Invitae), Labcorp
Classification: Uncertain significance for Early Myoclonic Encephalopathy. Last evaluated: 2025-12-10. Review status: criteria provided, single submitter. Criteria: Invitae Variant Classification Sherloc (09022015). Collection method: clinical testing. Allele origin: germline.
Comment: This sequence change replaces arginine, which is basic and polar, with histidine, which is basic and polar, at codon 2309 of the JMJD1C protein (p.Arg2309His). This variant is present in population databases (rs746895316, gnomAD 0.006%). This variant has not been reported in the literature in individuals affected with JMJD1C-related conditions. ClinVar contains an entry for this variant (Variation ID: 1034630). Invitae Evidence Modeling of protein sequence and biophysical properties (such as structural, functional, and spatial information, amino acid conservation, physicochemical variation, residue mobility, and thermodynamic stability) indicates that this missense variant is expected to disrupt JMJD1C protein function with a positive predictive value of 80%. In summary, the available evidence is currently insufficient to determine the role of this variant in disease. Therefore, it has been classified as a Variant of Uncertain Significance.

NM_032776.3(JMJD1C):c.6926G>A (p.Arg2309His)

Gene: JMJD1C (jumonji domain containing 1C; minus strand). Cytogenetic location: 10q21.3.
Variant type: single nucleotide variant.
Coding change: c.6926G>A on transcript NM_032776.3 (MANE Select); coding-DNA position 6926, G replaced by A.
Protein change: p.Arg2309His; replaces arginine 2309 with histidine.
Molecular consequence: missense variant. On other transcripts: non-coding transcript variant (1).
Genome position (GRCh38, 1-based): chr10:63,184,643, C>T on the plus strand (G>A on the coding strand, the complement: JMJD1C is on the minus strand). VCF-style: chr10-63184643-C-T. GRCh37 (hg19) VCF-style: chr10-64944403-C-T.
Other names: c.6380G>A, p.Arg2127His (NM_001282948.2, NM_001318154.2); c.6062G>A, p.Arg2021His (NM_001318153.2); c.6812G>A, p.Arg2271His (NM_001322252.2); c.6269G>A, p.Arg2090His (NM_001322254.2, NM_001322258.2); short protein forms R2021H, R2127H, R2309H, R2090H, R2271H.
Identifiers: ClinVar variation 1034630 (VCV001034630.8), dbSNP rs746895316, ClinGen allele CA5517761.